The following is an entry in ClinVar:

NM_000321.3(RB1):c.721dup (p.Thr241fs)

Gene: RB1 (RB transcriptional corepressor 1; plus strand). Cytogenetic location: 13q14.2.
Variant type: Duplication.
Coding change: c.721dup on transcript NM_000321.3 (MANE Select); coding-DNA position 721, one base duplicated (A; older notation c.721dupA).
Protein change: p.Thr241fs; shifts the reading frame from threonine 241.
Molecular consequence: frameshift variant.
Genome position (GRCh38, 1-based): chr13:48,362,817, A duplicated; the last of 3 consecutive A bases (chr13:48,362,815-48,362,817); duplicating any one gives the same sequence. VCF-style (leftmost placement, unchanged base first): chr13-48362814-G-GA. GRCh37 (hg19) VCF-style: chr13-48936950-G-GA.
Other names: c.721dup, p.Thr241fs (NM_001407165.1, NM_001407166.1); short protein forms T241fs.
Identifiers: ClinVar variation 3236923 (VCV003236923.1), dbSNP rs2542181842.

ClinVar aggregate classification (germline): Pathogenic (1 of 4 stars; one submission).

Conditions:
Retinoblastoma (RB1). Also called: RETINOBLASTOMA, SOMATIC. Identifiers: Orphanet 790, MedGen C0035335, MeSH D012175, MONDO:0008380, OMIM 180200, HP:0009919. Disease mechanism: loss of function. Inheritance: Both sporadic and heritable forms are tested..

Submission:

Genetic Diagnostic Laboratory, University of Pennsylvania School of Medicine
Classification: Pathogenic for Retinoblastoma. Last evaluated: 2024-05-20. Review status: criteria provided, single submitter. Criteria: ACMG Guidelines, 2015. Collection method: clinical testing. Allele origin: germline. Affected: yes. Observed: 1 variant allele.
Comment: Case and Pedigree Information: BILATERAL CASES:1, UNILATERAL CASES:0, TOTAL CASES:1, PEDIGREES:1. ACMG Codes Applied:PVS1, PM2